The following is an entry in ClinVar:

ClinVar aggregate classification (germline): Uncertain significance (1 of 4 stars; one submission).

Conditions:
Genitopatellar syndrome (GTPTS). Also called: Genitopatellar syndrome (GPS); ABSENT PATELLAE, SCROTAL HYPOPLASIA, RENAL ANOMALIES, FACIAL DYSMORPHISM, AND MENTAL RETARDATION. Identifiers: Orphanet 85201, MedGen C1853566, MONDO:0011640, OMIM 606170.

Submission:

Labcorp Genetics (formerly Invitae), Labcorp
Classification: Uncertain significance for Genitopatellar syndrome. Last evaluated: 2024-11-05. Review status: criteria provided, single submitter. Criteria: Invitae Variant Classification Sherloc (09022015). Collection method: clinical testing. Allele origin: germline.
Comment: This sequence change replaces lysine, which is basic and polar, with arginine, which is basic and polar, at codon 325 of the KAT6B protein (p.Lys325Arg). This variant is not present in population databases (gnomAD no frequency). This variant has not been reported in the literature in individuals affected with KAT6B-related conditions. Invitae Evidence Modeling of protein sequence and biophysical properties (such as structural, functional, and spatial information, amino acid conservation, physicochemical variation, residue mobility, and thermodynamic stability) indicates that this missense variant is not expected to disrupt KAT6B protein function with a negative predictive value of 80%. In summary, the available evidence is currently insufficient to determine the role of this variant in disease. Therefore, it has been classified as a Variant of Uncertain Significance.

NM_012330.4(KAT6B):c.974A>G (p.Lys325Arg)

Gene: KAT6B (lysine acetyltransferase 6B; plus strand). Cytogenetic location: 10q22.2.
Variant type: single nucleotide variant.
Coding change: c.974A>G on transcript NM_012330.4 (MANE Select); coding-DNA position 974, A replaced by G.
Protein change: p.Lys325Arg; replaces lysine 325 with arginine.
Molecular consequence: missense variant. On other transcripts: intron variant (5).
Genome position (GRCh38, 1-based): chr10:74,972,552, A>G. VCF-style: chr10-74972552-A-G. GRCh37 (hg19) VCF-style: chr10-76732310-A-G.
Other names: c.974A>G, p.Lys325Arg (NM_001256468.2, NM_001256469.2, NM_001370132.1 and 7 more transcripts); c.846+2777A>G (NM_001370133.1); c.193-6672A>G (NM_001370134.1); c.928+2451A>G (NM_001370143.1, NM_001370144.1); c.192+12474A>G (NM_001370135.1); short protein forms K325R.
Identifiers: ClinVar variation 3729964 (VCV003729964.2).